The following is an entry in ClinVar:

NM_172351.3(CD46):c.857-174A>C

Gene: CD46 (CD46 molecule; plus strand). Cytogenetic location: 1q32.2.
Variant type: single nucleotide variant.
Coding change: c.857-174A>C on transcript NM_172351.3 (MANE Select); 174 bases into the intron before coding-DNA position 857, A replaced by C.
Molecular consequence: intron variant. On other transcripts: splice acceptor variant (2).
Genome position (GRCh38, 1-based): chr1:207,767,605, A>C. VCF-style: chr1-207767605-A-C. GRCh37 (hg19) VCF-style: chr1-207940950-A-C.
Other names: c.857-2A>C (NM_002389.4, NM_172359.3); c.857-174A>C (NM_153826.4, NM_172358.3, NM_172355.3 and 1 more transcripts); c.856+410A>C (NM_172352.3, NM_172353.3, NM_172350.3 and 2 more transcripts).
Identifiers: ClinVar variation 1424447 (VCV001424447.8), dbSNP rs773618613, ClinGen allele CA1371764.

ClinVar aggregate classification (germline): Conflicting classifications of pathogenicity. Review status: criteria provided, conflicting classifications (1 of 4 stars). 3 submissions from 3 submitters: Likely pathogenic (2); Uncertain significance (1). Last evaluated 2023-01-30.

Conditions:
CD46-related disorder. Also called: CD46-related condition.

Allele frequency attached by ClinVar (database versions not stated): gnomAD exomes below 0.00001 and 0.00001; ExAC 0.00001; gnomAD 0.00003 and 0.00004; TOPMed 0.00004.

Submissions (3):

PreventionGenetics, part of Exact Sciences
Classification: Likely pathogenic for CD46-related condition. Last evaluated: 2023-01-30. Review status: criteria provided, single submitter. Criteria: ACMG Guidelines, 2015. Collection method: clinical testing. Allele origin: germline.
Comment: The CD46 c.857-2A>C variant is predicted to disrupt the AG splice acceptor site and interfere with normal splicing. To our knowledge, this variant has not been reported in the literature. This variant is reported in 0.0040% of alleles in individuals of African descent in gnomAD. Variants that disrupt the consensus splice acceptor site in CD46 are expected to be pathogenic. This variant is interpreted as likely pathogenic.

Labcorp Genetics (formerly Invitae), Labcorp
Classification: Likely pathogenic. Last evaluated: 2022-01-19. Review status: criteria provided, single submitter. Criteria: Invitae Variant Classification Sherloc (09022015). Collection method: clinical testing. Allele origin: germline.
Comment: This sequence change affects an acceptor splice site in intron 6 of the CD46 gene. It is expected to disrupt RNA splicing. Variants that disrupt the donor or acceptor splice site typically lead to a loss of protein function (PMID: 16199547), and loss-of-function variants in CD46 are known to be pathogenic (PMID: 16621965, 23431077). This variant is present in population databases (rs773618613, gnomAD 0.004%). This variant has not been reported in the literature in individuals affected with CD46-related conditions. Algorithms developed to predict the effect of sequence changes on RNA splicing suggest that this variant may disrupt the consensus splice site. In summary, the currently available evidence indicates that the variant is pathogenic, but additional data are needed to prove that conclusively. Therefore, this variant has been classified as Likely Pathogenic.

Blueprint Genetics
Classification: Uncertain significance. Last evaluated: 2018-11-30. Review status: criteria provided, single submitter. Criteria: ACMG Guidelines, 2015. Collection method: clinical testing. Allele origin: germline.

Literature cited by the submitters: PubMed 16199547 (cited by Labcorp Genetics (formerly Invitae), Labcorp); PubMed 16621965 (cited by Labcorp Genetics (formerly Invitae), Labcorp); PubMed 23431077 (cited by Labcorp Genetics (formerly Invitae), Labcorp).